The following is an entry in ClinVar:

ClinVar aggregate classification (germline): Uncertain significance (1 of 4 stars; one submission).

Conditions:
Long QT syndrome (LQTS). Identifiers: MedGen C0023976, MeSH D008133, MONDO:0002442. Disease mechanism: loss of function. Inheritance: Various modes of inheritance.

Allele frequency attached by ClinVar (database versions not stated): gnomAD exomes below 0.00001.
gnomAD v4.1: 1 of 1,614,052 alleles (0.000062%); highest among the groups gnomAD compares: Admixed American, 0.0017%; no homozygotes.

Submission:

Labcorp Genetics (formerly Invitae), Labcorp
Classification: Uncertain significance for Long QT syndrome. Last evaluated: 2018-12-17. Review status: criteria provided, single submitter. Criteria: Invitae Variant Classification Sherloc (09022015). Collection method: clinical testing. Allele origin: germline.
Comment: In summary, the available evidence is currently insufficient to determine the role of this variant in disease. Therefore, it has been classified as a Variant of Uncertain Significance. Algorithms developed to predict the effect of missense changes on protein structure and function are either unavailable or do not agree on the potential impact of this missense change (SIFT: "Tolerated"; PolyPhen-2: "Possibly Damaging"; Align-GVGD: "Class C0"). This variant has not been reported in the literature in individuals with ANK2-related conditions. This variant is not present in population databases (ExAC no frequency). This sequence change replaces aspartic acid with valine at codon 2894 of the ANK2 protein (p.Asp2894Val). The aspartic acid residue is weakly conserved and there is a large physicochemical difference between aspartic acid and valine.

NM_001148.6(ANK2):c.8681A>T (p.Asp2894Val)

Gene: ANK2 (ankyrin 2; plus strand). Cytogenetic location: 4q26.
Variant type: single nucleotide variant.
Coding change: c.8681A>T on transcript NM_001148.6 (MANE Select); coding-DNA position 8681, A replaced by T.
Protein change: p.Asp2894Val; replaces aspartic acid 2894 with valine.
Molecular consequence: missense variant. On other transcripts: intron variant (68).
Genome position (GRCh38, 1-based): chr4:113,357,299, A>T. VCF-style: chr4-113357299-A-T. GRCh37 (hg19) VCF-style: chr4-114278455-A-T.
Other names: c.8447A>T, p.Asp2816Val (NM_001386142.1); c.5081A>T, p.Asp1694Val (NM_001386166.1); c.8822A>T, p.Asp2941Val (NM_001386174.1); c.8798A>T, p.Asp2933Val (NM_001386175.1); c.4412-3524A>T (NM_001386186.2, NM_001386148.2); c.4214-3524A>T (NM_001354269.3); c.4292-3524A>T (NM_001386187.2); c.4253-3524A>T (NM_001386147.1); and 35 more; short protein forms D2894V, D1694V, D2816V, D2933V, D2941V.
Identifiers: ClinVar variation 652713 (VCV000652713.5), dbSNP rs1589012300, ClinGen allele CA357934601.
Genomic context (GRCh38, chr4:113,357,299, plus strand): 5'-CAGAGGTCACAAAAACTGATGAAACATTTGAGAACTTACCAAAGGACTGCCCCTCTCAAG[A>T]CTCATCCATTACTACTCAAACAGATAGATTTTCCATGGATGTTCCCGTGTCTGACCTAGC-3'
Protein context (NP_001139.3, residues 2884-2904): ENLPKDCPSQ[Asp2894Val]SSITTQTDRF